The following is an entry in ClinVar:

ClinVar aggregate classification (germline): Benign/Likely benign. Review status: criteria provided, multiple submitters, no conflicts (2 of 4 stars). 2 submissions from 2 submitters: Benign (1); Likely benign (1). Last evaluated 2026-01-24.

Conditions:
KMT2D-related disorder. Also called: KMT2D-Related Disorders.
Kabuki syndrome. Also called: Kabuki make-up syndrome; NIIKAWA-KUROKI SYNDROME. Identifiers: Orphanet 2322, MedGen C0796004, MONDO:0016512.

Submissions (2):

Labcorp Genetics (formerly Invitae), Labcorp
Classification: Benign for Kabuki syndrome. Last evaluated: 2026-01-24. Review status: criteria provided, single submitter. Criteria: Invitae Variant Classification Sherloc (09022015). Collection method: clinical testing. Allele origin: germline.

PreventionGenetics, part of Exact Sciences
Classification: Likely benign for KMT2D-related condition. Last evaluated: 2024-11-19. Review status: criteria provided, single submitter. Criteria: ACMG Guidelines, 2015. Collection method: clinical testing. Allele origin: germline.
Comment: This variant is classified as likely benign based on ACMG/AMP sequence variant interpretation guidelines (Richards et al. 2015 PMID: 25741868, with internal and published modifications).

NM_003482.4(KMT2D):c.2493A>G (p.Ser831=)

Gene: KMT2D (lysine methyltransferase 2D; minus strand). Cytogenetic location: 12q13.12.
Variant type: single nucleotide variant.
Coding change: c.2493A>G on transcript NM_003482.4 (MANE Select); coding-DNA position 2493, A replaced by G.
Protein change: p.Ser831=; no amino-acid change (serine 831 retained).
Molecular consequence: synonymous variant.
Genome position (GRCh38, 1-based): chr12:49,051,190, T>C on the plus strand (A>G on the coding strand, the complement: KMT2D is on the minus strand). VCF-style: chr12-49051190-T-C. GRCh37 (hg19) VCF-style: chr12-49444973-T-C.
Identifiers: ClinVar variation 3665433 (VCV003665433.3).